The following is an entry in ClinVar:

ClinVar aggregate classification (germline): Pathogenic (1 of 4 stars; one submission).

Conditions:
Holocarboxylase synthetase deficiency. Also called: MULTIPLE CARBOXYLASE DEFICIENCY, EARLY ONSET. Identifiers: Orphanet 79242, MedGen C0268581, MONDO:0009666, OMIM 253270.

Submission:

Labcorp Genetics (formerly Invitae), Labcorp
Classification: Pathogenic for Holocarboxylase synthetase deficiency. Last evaluated: 2022-05-19. Review status: criteria provided, single submitter. Criteria: Invitae Variant Classification Sherloc (09022015). Collection method: clinical testing. Allele origin: germline.
Comment: For these reasons, this variant has been classified as Pathogenic. This variant has not been reported in the literature in individuals affected with HLCS-related conditions. This variant is not present in population databases (gnomAD no frequency). This sequence change creates a premature translational stop signal (p.Leu335Ilefs*7) in the HLCS gene. It is expected to result in an absent or disrupted protein product. Loss-of-function variants in HLCS are known to be pathogenic (PMID: 16134170).

Literature cited by the submitters: PubMed 16134170.

NM_001352514.2(HLCS):c.1444_1456delinsATAGTGCAAACTCCAACATAGTGCAAACT (p.Leu482_Pro486delinsIleValGlnThrProThrTer)

Gene: HLCS (holocarboxylase synthetase; minus strand). Cytogenetic location: 21q22.13.
Variant type: Indel.
Coding change: c.1444_1456delinsATAGTGCAAACTCCAACATAGTGCAAACT on transcript NM_001352514.2 (MANE Select); coding-DNA positions 1444 to 1456, TTAGAACTACCTC replaced by ATAGTGCAAACTCCAACATAGTGCAAACT.
Protein change: p.Leu482_Pro486delinsIleValGlnThrProThrTer.
Molecular consequence: nonsense. On other transcripts: non-coding transcript variant (2).
Genome position (GRCh38, 1-based): chr21:36,930,415-36,930,427, GAGGTAGTTCTAA replaced by AGTTTGCACTATGTTGGAGTTTGCACTAT on the plus strand (TTAGAACTACCTC replaced by ATAGTGCAAACTCCAACATAGTGCAAACT on the coding strand, the reverse complement: HLCS is on the minus strand). GRCh37 (hg19): chr21:38,302,715-38,302,727.
Other names: c.1003_1015delinsATAGTGCAAACTCCAACATAGTGCAAACT, p.Leu335_Pro339delinsIleValGlnThrProThrTer (NM_000411.8, NM_001242784.3, NM_001242785.2 and 4 more transcripts).
Identifiers: ClinVar variation 1996544 (VCV001996544.4), dbSNP rs2517547973, ClinGen allele CA2580098662.
Genomic context (GRCh38, chr21:36,930,415, plus strand): 5'-TAAAATTGCTTGACTTGAGCAAGTTAAAATCTTCTGGAGTTTGCACTATGTTGGAGCTGG[GAGGTAGTTCTAA>AGTTTGCACTATGTTGGAGTTTGCACTAT]GTGCACCTGAAGGGGAAAGATAGCACTATGTAAACTGAGGGCACTCACAGGCAATGAGAA-3'